The following is an entry in ClinVar:

NM_020750.3(XPO5):c.2942A>G (p.Lys981Arg)

Genes: POLR1C (RNA polymerase I and III subunit C; plus strand), XPO5 (exportin 5; minus strand). Cytogenetic location: 6p21.1.
Variant type: single nucleotide variant.
Coding change: c.2942A>G on transcript NM_020750.3 (MANE Select); coding-DNA position 2942, A replaced by G.
Protein change: p.Lys981Arg; replaces lysine 981 with arginine.
Molecular consequence: missense variant. On other transcripts: non-coding transcript variant (1), intron variant (2).
Genome position (GRCh38, 1-based): chr6:43,526,726, T>C on the plus strand (A>G on the coding strand, the complement: XPO5 is on the minus strand). VCF-style: chr6-43526726-T-C. GRCh37 (hg19) VCF-style: chr6-43494464-T-C.
Other names: c.922+5678T>C (NM_001363658.2); c.923-2523T>C (NM_001318876.2); short protein forms K981R.
Identifiers: ClinVar variation 2038950 (VCV002038950.5), dbSNP rs115410573, ClinGen allele CA3825942.

ClinVar aggregate classification (germline): Likely benign. Review status: criteria provided, single submitter (1 of 4 stars). 2 submissions from 2 submitters: Likely benign (1). 1 of the submissions does not count toward it. Last evaluated 2025-09-27.

Conditions:
XPO5-related disorder. Also called: XPO5-related condition.

Allele frequency attached by ClinVar (database versions not stated): gnomAD 0.00128; ExAC 0.00031; 1000 Genomes Project 0.00140; gnomAD exomes 0.00012; 1000 Genomes Project 30x 0.00172; ESP Exome Variant Server 0.00089; TOPMed 0.00142.
gnomAD v4.1: 364 of 1,613,960 alleles (0.023%); highest among the groups gnomAD compares: African/African-American, 0.45%; 2 homozygotes.

Submissions (2):

Labcorp Genetics (formerly Invitae), Labcorp
Classification: Likely benign. Last evaluated: 2025-09-27. Review status: criteria provided, single submitter. Criteria: Invitae Variant Classification Sherloc (09022015). Collection method: clinical testing. Allele origin: germline.

PreventionGenetics, part of Exact Sciences
Classification: Likely benign for XPO5-related condition. Last evaluated: 2022-08-29. Review status: no assertion criteria provided. Collection method: clinical testing. Allele origin: germline. Not counted in ClinVar's aggregate classification.
Comment: This variant is classified as likely benign based on ACMG/AMP sequence variant interpretation guidelines (Richards et al. 2015 PMID: 25741868, with internal and published modifications).